The following is an entry in ClinVar:

NM_001330078.2(NRXN1):c.1299C>G (p.Asn433Lys)

Gene: NRXN1 (neurexin 1; minus strand). Cytogenetic location: 2p16.3.
Variant type: single nucleotide variant.
Coding change: c.1299C>G on transcript NM_001330078.2 (MANE Select); coding-DNA position 1299, C replaced by G.
Protein change: p.Asn433Lys; replaces asparagine 433 with lysine.
Molecular consequence: missense variant.
Genome position (GRCh38, 1-based): chr2:50,620,043, G>C on the plus strand (C>G on the coding strand, the complement: NRXN1 is on the minus strand). VCF-style: chr2-50620043-G-C. GRCh37 (hg19) VCF-style: chr2-50847181-G-C.
Other names: c.1419C>G, p.Asn473Lys (NM_001135659.3); c.1275C>G, p.Asn425Lys (NM_001330077.2, NM_001330082.2, NM_001330095.2); c.1260C>G, p.Asn420Lys (NM_001330083.2, NM_001330084.2); c.1299C>G, p.Asn433Lys (NM_001330085.2, NM_001330086.2, NM_004801.6); c.1215C>G, p.Asn405Lys (NM_001330087.2, NM_001330096.2); c.1245C>G, p.Asn415Lys (NM_001330088.2); c.1296C>G, p.Asn432Lys (NM_001330093.2); c.1287C>G, p.Asn429Lys (NM_001330094.2); short protein forms N425K, N429K, N432K, N433K, N473K, N420K, N405K, N415K.
Identifiers: ClinVar variation 2066368 (VCV002066368.4), dbSNP rs2466811974, ClinGen allele CA346821627.

ClinVar aggregate classification (germline): Uncertain significance (1 of 4 stars; one submission).

Conditions:
Pitt-Hopkins-like syndrome 2 (PTHSL2). Identifiers: Orphanet 221150, Orphanet 600663, MedGen C3280479, MONDO:0013690, OMIM 614325.

Submission:

Labcorp Genetics (formerly Invitae), Labcorp
Classification: Uncertain significance for Pitt-Hopkins-like syndrome 2. Last evaluated: 2021-12-30. Review status: criteria provided, single submitter. Criteria: Invitae Variant Classification Sherloc (09022015). Collection method: clinical testing. Allele origin: germline.
Comment: In summary, the available evidence is currently insufficient to determine the role of this variant in disease. Therefore, it has been classified as a Variant of Uncertain Significance. Algorithms developed to predict the effect of missense changes on protein structure and function (SIFT, PolyPhen-2, Align-GVGD) all suggest that this variant is likely to be disruptive. This variant has not been reported in the literature in individuals affected with NRXN1-related conditions. This variant is not present in population databases (gnomAD no frequency). This sequence change replaces asparagine, which is neutral and polar, with lysine, which is basic and polar, at codon 473 of the NRXN1 protein (p.Asn473Lys).